The following is an entry in ClinVar:

NM_024529.5(CDC73):c.131+1G>T

Gene: CDC73 (cell division cycle 73; plus strand). Cytogenetic location: 1q31.2.
Variant type: single nucleotide variant.
Coding change: c.131+1G>T on transcript NM_024529.5 (MANE Select); the canonical splice donor site of the intron after coding-DNA position 131, G replaced by T.
Molecular consequence: splice donor variant.
Genome position (GRCh38, 1-based): chr1:193,122,332, G>T. VCF-style: chr1-193122332-G-T. GRCh37 (hg19) VCF-style: chr1-193091462-G-T.
Identifiers: ClinVar variation 1455290 (VCV001455290.8), dbSNP rs587776558, ClinGen allele CA343973017.

ClinVar aggregate classification (germline): Pathogenic (1 of 4 stars; one submission).

Conditions:
Parathyroid carcinoma (PRTC). Also called: CDC73-Related Parathyroid Carcinoma; Parathyroid gland carcinoma. Identifiers: Orphanet 143, MedGen C0687150, MONDO:0012004, OMIM 608266, HP:0006780.

Submission:

Labcorp Genetics (formerly Invitae), Labcorp
Classification: Pathogenic for Parathyroid carcinoma. Last evaluated: 2021-09-07. Review status: criteria provided, single submitter. Criteria: Invitae Variant Classification Sherloc (09022015). Collection method: clinical testing. Allele origin: germline.
Comment: For these reasons, this variant has been classified as Pathogenic. Algorithms developed to predict the effect of sequence changes on RNA splicing suggest that this variant may disrupt the consensus splice site, but this prediction has not been confirmed by published transcriptional studies. Disruption of this splice site has been observed in individual(s) with familial isolated primary hyperparathyroidism (PMID: 15531515, 16061557). It has also been observed to segregate with disease in related individuals This variant is not present in population databases (ExAC no frequency). This sequence change affects a donor splice site in intron 1 of the CDC73 gene. It is expected to disrupt RNA splicing. Variants that disrupt the donor or acceptor splice site typically lead to a loss of protein function (PMID: 16199547), and loss-of-function variants in CDC73 are known to be pathogenic (PMID: 12434154).

Literature cited by the submitters: PubMed 15531515; PubMed 16061557; PubMed 16199547; PubMed 12434154.